The following is an entry in ClinVar:

ClinVar aggregate classification (germline): Likely pathogenic. Review status: criteria provided, multiple submitters, no conflicts (2 of 4 stars). 2 submissions from 2 submitters: Likely pathogenic (2). Last evaluated 2024-02-27.

Conditions:
Hermansky-Pudlak syndrome 3 (HPS3). Identifiers: Orphanet 231512, Orphanet 79430, MedGen C3888001, MONDO:0013555, OMIM 614072.

Allele frequency attached by ClinVar (database versions not stated): TOPMed below 0.00001; gnomAD 0.00001.
gnomAD v4.1: 8 of 1,613,560 alleles (0.0005%); highest among the groups gnomAD compares: Non-Finnish European, 0.00059%; no homozygotes.

Submissions (2):

Baylor Genetics
Classification: Likely pathogenic for Hermansky-Pudlak syndrome 3. Last evaluated: 2024-02-27. Review status: criteria provided, single submitter. Criteria: ACMG Guidelines, 2015. Collection method: clinical testing. Allele origin: unknown.

Labcorp Genetics (formerly Invitae), Labcorp
Classification: Likely pathogenic. Last evaluated: 2021-05-17. Review status: criteria provided, single submitter. Criteria: Invitae Variant Classification Sherloc (09022015). Collection method: clinical testing. Allele origin: germline.
Comment: In summary, the currently available evidence indicates that the variant is pathogenic, but additional data are needed to prove that conclusively. Therefore, this variant has been classified as Likely Pathogenic. Algorithms developed to predict the effect of sequence changes on RNA splicing suggest that this variant may disrupt the consensus splice site, but this prediction has not been confirmed by published transcriptional studies. This variant has not been reported in the literature in individuals with HPS3-related conditions. This variant is not present in population databases (ExAC no frequency). This sequence change affects a donor splice site in intron 12 of the HPS3 gene. It is expected to disrupt RNA splicing. Variants that disrupt the donor or acceptor splice site typically lead to a loss of protein function (PMID: 16199547), and loss-of-function variants in HPS3 are known to be pathogenic (PMID: 11590544).

Literature cited by the submitters: PubMed 16199547 (cited by Labcorp Genetics (formerly Invitae), Labcorp); PubMed 11590544 (cited by Labcorp Genetics (formerly Invitae), Labcorp).

NM_032383.5(HPS3):c.2292+1G>A

Gene: HPS3 (HPS3 biogenesis of lysosomal organelles complex 2 subunit 1; plus strand). Cytogenetic location: 3q24.
Variant type: single nucleotide variant.
Coding change: c.2292+1G>A on transcript NM_032383.5 (MANE Select); the canonical splice donor site of the intron after coding-DNA position 2292, G replaced by A.
Molecular consequence: splice donor variant.
Genome position (GRCh38, 1-based): chr3:149,162,334, G>A. VCF-style: chr3-149162334-G-A. GRCh37 (hg19) VCF-style: chr3-148880121-G-A.
Other names: c.1797+1G>A (NM_001308258.2).
Identifiers: ClinVar variation 1524449 (VCV001524449.10), dbSNP rs755724489, ClinGen allele CA354924227.